The following is an entry in ClinVar:

ClinVar aggregate classification (germline): Likely benign (1 of 4 stars; one submission).

gnomAD v4.1: 12 of 1,612,984 alleles (0.00074%); highest among the groups gnomAD compares: Admixed American, 0.005%; no homozygotes.

Submission:

CeGaT Center for Human Genetics Tuebingen
Classification: Likely benign. Last evaluated: 2026-09-01. Review status: criteria provided, single submitter. Criteria: CeGaT Center For Human Genetics Tuebingen Variant Classification Criteria Version 2. Collection method: clinical testing. Allele origin: germline. Affected: yes. Observed: 1 variant allele.
Comment: RC3H1: BP4, BP7

NM_172071.4(RC3H1):c.2145C>T (p.Ile715=)

Gene: RC3H1 (ring finger and CCCH-type domains 1; minus strand). Cytogenetic location: 1q25.1.
Variant type: single nucleotide variant.
Coding change: c.2145C>T on transcript NM_172071.4 (MANE Select); coding-DNA position 2145, C replaced by T.
Protein change: p.Ile715=; no amino-acid change (isoleucine 715 retained).
Molecular consequence: synonymous variant.
Genome position (GRCh38, 1-based): chr1:173,961,782, G>A on the plus strand (C>T on the coding strand, the complement: RC3H1 is on the minus strand). VCF-style: chr1-173961782-G-A. GRCh37 (hg19) VCF-style: chr1-173930920-G-A.
Other names: c.2145C>T, p.Ile715= (NM_001300850.1, NM_001300851.1, NM_001300852.1).
Identifiers: ClinVar variation 5040927 (VCV005040927.1).